The following is an entry in ClinVar:

ClinVar aggregate classification (germline): Likely benign (1 of 4 stars; one submission).

Submission:

CeGaT Center for Human Genetics Tuebingen
Classification: Likely benign. Last evaluated: 2022-03-01. Review status: criteria provided, single submitter. Criteria: CeGaT Center For Human Genetics Tuebingen Variant Classification Criteria Version 2. Collection method: clinical testing. Allele origin: germline. Affected: yes. Observed: 1 variant allele.
Comment: RPL34: BP4, BP7

NM_001319236.2(RPL34):c.18A>C (p.Thr6=)

Gene: RPL34 (ribosomal protein L34; plus strand). Cytogenetic location: 4q25.
Variant type: single nucleotide variant.
Coding change: c.18A>C on transcript NM_001319236.2 (MANE Select); coding-DNA position 18, A replaced by C.
Protein change: p.Thr6=; no amino-acid change (threonine 6 retained).
Molecular consequence: synonymous variant.
Genome position (GRCh38, 1-based): chr4:108,621,977, A>C. VCF-style: chr4-108621977-A-C. GRCh37 (hg19) VCF-style: chr4-109543133-A-C.
Other names: c.18A>C, p.Thr6= (NM_033625.4, NM_000995.5, NM_001319232.2 and 2 more transcripts).
Identifiers: ClinVar variation 2655019 (VCV002655019.24), dbSNP rs1725797981, ClinGen allele CA440569140.